The following is an entry in ClinVar:

NM_000203.5(IDUA):c.2T>C (p.Met1Thr)

Genes: IDUA (alpha-L-iduronidase; plus strand), SLC26A1 (solute carrier family 26 member 1; minus strand). Cytogenetic location: 4p16.3.
Variant type: single nucleotide variant.
Coding change: c.2T>C on transcript NM_000203.5 (MANE Select); coding-DNA position 2, T replaced by C.
Protein change: p.Met1Thr; changes the start codon (methionine 1).
Molecular consequence: missense variant, initiator codon variant. On other transcripts: non-coding transcript variant (1), intron variant (1).
Genome position (GRCh38, 1-based): chr4:987,086, T>C. VCF-style: chr4-987086-T-C. GRCh37 (hg19) VCF-style: chr4-980874-T-C.
Other names: NM_000203.5(IDUA):c.2T>C; p.Met1Thr; c.576+4042A>G (NM_134425.4); short protein forms M1T.
Identifiers: ClinVar variation 639529 (VCV000639529.24), dbSNP rs753767675, ClinGen allele CA2801095.
Genomic context (GRCh38, chr4:987,086, plus strand): 5'-CCCGGAGGCGGAACCGGCAGTGCAGCCCGAAGCCCCGCAGTCCCCGAGCACGCGTGGCCA[T>C]GCGTCCCCTGCGCCCCCGCGCCGCGCTGCTGGCGCTCCTGGCCTCGCTCCTGGCCGCGCC-3'
Protein context (NP_000194.2, residues 1-11): [Met1Thr]RPLRPRAALL

ClinVar aggregate classification (germline): Pathogenic. Review status: reviewed by expert panel (3 of 4 stars). 5 submissions from 5 submitters: Pathogenic (1). 4 of the submissions do not count toward it. Last evaluated 2025-10-06.

Conditions:
Hurler syndrome. Also called: Gargoylism, Hurler Syndrome; Severe MPS I (Hurler Syndrome); MUCOPOLYSACCHARIDOSIS TYPE IH. Identifiers: Orphanet 93473, MedGen C0086795, MONDO:0011758, OMIM 607014.
Mucopolysaccharidosis, MPS-I-H/S. Also called: Mucopolysaccharidosis type IH/S. Identifiers: Orphanet 93476, MedGen C0086431, MONDO:0011759, OMIM 607015.
Mucopolysaccharidosis, MPS-I-S. Also called: Scheie Syndrome; MPS V; MUCOPOLYSACCHARIDOSIS TYPE V; MUCOPOLYSACCHARIDOSIS TYPE IS. Identifiers: Orphanet 93474, MedGen C0026708, MONDO:0011760, OMIM 607016.
Mucopolysaccharidosis type 1. Also called: IDUA deficiency; MPS I; Mucopolysaccharidosis Type I. Identifiers: Orphanet 579, MedGen C0023786, MONDO:0001586.

Allele frequency attached by ClinVar (database versions not stated): gnomAD exomes below 0.00001; ExAC 0.00003.

Submissions (5):

ClinGen Lysosomal Storage Disorder Variant Curation Expert Panel
Classification: Pathogenic for Mucopolysaccharidosis type 1. Last evaluated: 2025-10-06. Review status: reviewed by expert panel. Criteria: ClinGen LSD ACMG Specifications IDUA V1.1.0. Collection method: curation. Allele origin: germline. Inheritance: Autosomal recessive inheritance.
Comment: The NM_000203.5:c.2T>C (p.Met1?) variant in IDUA may cause a truncated or absent protein by altering the start codon of the coding sequence and is predicted to lead to the omission of a critical region of the protein (PVS1). Six Chinese probands and one sibling with the variant have been reported with features consistent with MPS I. This includes five probands with deficient IDUA activity, three of whom also have clinical features meeting the specifications of the LD VCEP (PMID: 21480867, 36951468, 37347427) (PP4). Another individual, identified by newborn screen with low IDUA activity, had normal GAGs (PMID: 29801497). One proband is compound heterozygous for the variant and another variant in IDUA that has been classified as pathogenic by the ClinGen LD VCEP, including c.208C>T (p.Gln70Ter) (ClinVarID: 11909) (PMID: 21480867, phase unconfirmed, 0.5 points). Two probands are homozygous for the variant (PMID: 21480867, 37347427). Three other probands are compound heterozygous for the variant and either c.1037T>G (p.Leu346Arg) (ClinVarID: 11927) (PMID: 21480867), c.1593delG (p.Leu532CysfsTer28) (PMID: 21480867) or c.911delT (p.V304fs) (ClinVarID: 1184991) (PMID: 36951468). The allelic data from these individuals will be used in the classification of the second variant and is not included here to avoid circular logic. Total 1.5 points (PM3). An individual identified by newborn screen with low IDUA activity but normal GAGs was compound heterozygous for the variant and another variant c.343G>A (p.Asp115Asn) (PMID: 29801497). The variant has been reported to segregate with MPS-1 in 2 affected siblings. Both siblings were compound heterozygous for the variant and c.911delT. Their eldest sister, who appeared normal, was heterozygous for c.2T>C. These results indicate that the variants are in trans in the affected siblings. The highest population minor allele frequency in gnomAD v4.1.0 is 0.0000018 (2/1121804 alleles) in the Non-Finnish European population, which is lower than the ClinGen Lysosomal Diseases VCEP’s threshold for PM2_Supporting (<0.00025), meeting this criterion (PM2_Supporting). In summary, this variant meets the criteria to be classified as pathogenic for MPS I based on the IDUA-specific ACMG/AMP criteria applied, as specified by the ClinGen Lysosomal Diseases Variant Curation Expert panel (Specifications Version 1.1.0): PVS1, PP1_moderate, PM3, PP4, PM2_supporting (Classification approved by the ClinGen Lysosomal Diseases Variant Curation Expert Panel on October 6, 2025)

Fulgent Genetics
Classification: Pathogenic for Hurler syndrome; Mucopolysaccharidosis, MPS-I-H/S; Mucopolysaccharidosis, MPS-I-S. Last evaluated: 2024-04-09. Review status: criteria provided, single submitter. Criteria: ACMG Guidelines, 2015. Collection method: clinical testing. Allele origin: germline. Not counted in ClinVar's aggregate classification.

Natera, Inc.
Classification: Pathogenic for Mucopolysaccharidosis type I. Last evaluated: 2024-03-25. Review status: criteria provided, single submitter. Criteria: Natera Variant Classification Schema (03/2026). Collection method: clinical testing. Allele origin: germline. Not counted in ClinVar's aggregate classification.
Comment: The c.2T>C variant in IDUA is predicted to result in start loss due to disruption of the initiator methionine. This variant is rare in the general population with a frequency below the threshold expected for the associated phenotype(s). This variant has been observed in one or more individuals affected with the associated recessive disease, as either homozygous or compound heterozygous with a second variant (PMID: 21480867, 37347427, 34813777). This variant has been observed to segregate in affected family members (PMID: 36951468). Functional studies show that this variant may disrupt protein function (PMID: 21480867, 37347427). Given the available evidence, this variant is classified as Pathogenic.

Labcorp Genetics (formerly Invitae), Labcorp
Classification: Pathogenic for Mucopolysaccharidosis type 1. Last evaluated: 2023-08-31. Review status: criteria provided, single submitter. Criteria: Invitae Variant Classification Sherloc (09022015). Collection method: clinical testing. Allele origin: germline. Not counted in ClinVar's aggregate classification.
Comment: For these reasons, this variant has been classified as Pathogenic. ClinVar contains an entry for this variant (Variation ID: 639529). Disruption of the initiator codon has been observed in individuals with mucopolysaccharidosis type I (PMID: 21480867). The frequency data for this variant in the population databases is considered unreliable, as metrics indicate poor data quality at this position in the gnomAD database. This sequence change affects the initiator methionine of the IDUA mRNA. The next in-frame methionine is located at codon 133.

Juno Genomics, Hangzhou Juno Genomics, Inc
Classification: Likely pathogenic for Hurler syndrome; Mucopolysaccharidosis, MPS-I-H/S; Mucopolysaccharidosis, MPS-I-S. Review status: criteria provided, single submitter. Criteria: ACMG Guidelines, 2015. Collection method: clinical testing. Allele origin: germline. Not counted in ClinVar's aggregate classification.
Comment: Absent from controls (or at extremely low frequency if recessive) in Genome Aggregation Database.;Null variant in a gene where loss of function (LOF) is a known mechanism of disease.;For recessive disorders, detected in trans with a pathogenic variant.;Patient's phenotype or family history is highly specific for a disease with a single genetic etiology.

Literature cited by the submitters: PubMed 21480867 (cited by Natera, Inc. and Labcorp Genetics (formerly Invitae), Labcorp); PubMed 37347427 (cited by Natera, Inc.); PubMed 34813777 (cited by Natera, Inc.); PubMed 36951468 (cited by Natera, Inc.).